The following is an entry in ClinVar:

NM_004667.6(HERC2):c.11775T>C (p.Phe3925=)

Gene: HERC2 (HECT and RLD domain containing E3 ubiquitin protein ligase 2; minus strand). Cytogenetic location: 15q13.1.
Variant type: single nucleotide variant.
Coding change: c.11775T>C on transcript NM_004667.6 (MANE Select); coding-DNA position 11775, T replaced by C.
Protein change: p.Phe3925=; no amino-acid change (phenylalanine 3925 retained).
Molecular consequence: synonymous variant.
Genome position (GRCh38, 1-based): chr15:28,141,772, A>G on the plus strand (T>C on the coding strand, the complement: HERC2 is on the minus strand). VCF-style: chr15-28141772-A-G. GRCh37 (hg19) VCF-style: chr15-28386918-A-G.
Identifiers: ClinVar variation 3353067 (VCV003353067.1).

ClinVar aggregate classification (germline): Likely benign (0 of 4 stars; one submission).

Conditions:
HERC2-related disorder. Also called: HERC2-related condition.

gnomAD v4.1: 77 of 1,614,074 alleles (0.0048%); highest among the groups gnomAD compares: Non-Finnish European, 0.006%; no homozygotes.

Submission:

PreventionGenetics, part of Exact Sciences
Classification: Likely benign for HERC2-related condition. Last evaluated: 2024-09-11. Review status: no assertion criteria provided. Collection method: clinical testing. Allele origin: germline.
Comment: This variant is classified as likely benign based on ACMG/AMP sequence variant interpretation guidelines (Richards et al. 2015 PMID: 25741868, with internal and published modifications).